The following is an entry in ClinVar:

NM_001375380.1(EBF3):c.747G>C (p.Pro249=)

Gene: EBF3 (EBF transcription factor 3; minus strand). Cytogenetic location: 10q26.3.
Variant type: single nucleotide variant.
Coding change: c.747G>C on transcript NM_001375380.1 (MANE Select); coding-DNA position 747, G replaced by C.
Protein change: p.Pro249=; no amino-acid change (proline 249 retained).
Molecular consequence: synonymous variant.
Genome position (GRCh38, 1-based): chr10:129,873,486, C>G on the plus strand (G>C on the coding strand, the complement: EBF3 is on the minus strand). VCF-style: chr10-129873486-C-G. GRCh37 (hg19) VCF-style: chr10-131671750-C-G.
Other names: c.747G>C, p.Pro249= (NM_001005463.3, NM_001375379.1, NM_001375389.1 and 3 more transcripts).
Identifiers: ClinVar variation 4525770 (VCV004525770.1).
Genomic context (GRCh38, chr10:129,873,486, plus strand): 5'-AAAAAAGACATGTAACATGTGCCTACCATTTTCCAGATAAGAAGGGGCCGTACCTTCTGA[C>G]GGGTCTAGGCGGCGGGCCCGCCTCCCGTGTTTGGAATTGTTGTGCACAAACATGTTGTCT-3'
Protein context (NP_001362309.1, residues 239-259): KHGRRARRLD[Pro249=]SEGTAPSYLE

ClinVar aggregate classification (germline): Likely benign (1 of 4 stars; one submission).

gnomAD v4.1: 9 of 1,583,748 alleles (0.00057%); highest among the groups gnomAD compares: Non-Finnish European, 0.00077%; no homozygotes.

Submission:

Women's Health and Genetics/Laboratory Corporation of America, LabCorp
Classification: Likely benign. Last evaluated: 2025-07-18. Review status: criteria provided, single submitter. Criteria: LabCorp Variant Classification Summary - May 2015. Collection method: clinical testing. Allele origin: germline.
Comment: Variant summary: EBF3 c.747G>C alters a conserved nucleotide resulting in a synonymous change. Consensus agreement among computation tools predict no significant impact on normal splicing. However, these predictions have yet to be confirmed by functional studies. The variant was absent in 237304 control chromosomes. The available data on variant occurrences in the general population are insufficient to allow any conclusion about variant significance. To our knowledge, no occurrence of c.747G>C in individuals affected with Hypotonia, Ataxia, And Delayed Development Syndrome and no experimental evidence demonstrating its impact on protein function have been reported. No submitters have cited clinical-significance assessments for this variant to ClinVar. Based on the evidence outlined above, the variant was classified as likely benign.